The following is an entry in ClinVar:

NM_001025295.3(IFITM5):c.179C>T (p.Ser60Phe)

Gene: IFITM5 (interferon induced transmembrane protein 5; minus strand). Cytogenetic location: 11p15.5.
Variant type: single nucleotide variant.
Coding change: c.179C>T on transcript NM_001025295.3 (MANE Select); coding-DNA position 179, C replaced by T.
Protein change: p.Ser60Phe; replaces serine 60 with phenylalanine.
Molecular consequence: missense variant.
Genome position (GRCh38, 1-based): chr11:299,312, G>A on the plus strand (C>T on the coding strand, the complement: IFITM5 is on the minus strand). VCF-style: chr11-299312-G-A. GRCh37 (hg19) VCF-style: chr11-299312-G-A.
Other names: short protein forms S60F.
Identifiers: ClinVar variation 5019144 (VCV005019144.1).
Genomic context (GRCh38, chr11:299,312, plus strand): 5'-CCTTGATGGAGTAGTGGAGCCTCCCCCGCAACCTCGGTAGGGCCCCTGCCCACCTTGATG[G>A]AGTAGGCCAGCGCCAGGAAGCCGAGGCAACACAGATTCAGGTAGAGGGTGCTGAACACCG-3'
Protein context (NP_001020466.1, residues 50-70): CCLGFLALAY[Ser60Phe]IKARDQKVVG

ClinVar aggregate classification (germline): Uncertain significance (1 of 4 stars; one submission).

Conditions:
Osteogenesis imperfecta type 5 (OI5). Also called: OSTEOGENESIS IMPERFECTA, TYPE V; OI type 5; Type V OI. Identifiers: Orphanet 216828, MedGen C2931093, MONDO:0012591, OMIM 610967.

Submission:

Juno Genomics, Hangzhou Juno Genomics, Inc
Classification: Uncertain significance for Osteogenesis imperfecta type 5. Review status: criteria provided, single submitter. Criteria: ACMG Guidelines, 2015. Collection method: clinical testing. Allele origin: germline. Affected: yes.
Comment: Absent from controls (or at extremely low frequency if recessive) in Genome Aggregation Database.;Multiple lines of computational evidence support a deleterious effect on the gene or gene product.